The following is an entry in ClinVar:

NM_004186.5(SEMA3F):c.849G>A (p.Ser283=)

Gene: SEMA3F (semaphorin 3F; plus strand). Cytogenetic location: 3p21.31.
Variant type: single nucleotide variant.
Coding change: c.849G>A on transcript NM_004186.5 (MANE Select); coding-DNA position 849, G replaced by A.
Protein change: p.Ser283=; no amino-acid change (serine 283 retained).
Molecular consequence: synonymous variant.
Genome position (GRCh38, 1-based): chr3:50,182,729, G>A. VCF-style: chr3-50182729-G-A. GRCh37 (hg19) VCF-style: chr3-50220162-G-A.
Other names: c.552G>A, p.Ser184= (NM_001318798.2); c.756G>A, p.Ser252= (NM_001318800.2).
Identifiers: ClinVar variation 3351740 (VCV003351740.1).

ClinVar aggregate classification (germline): Likely benign (0 of 4 stars; one submission).

Conditions:
SEMA3F-related disorder. Also called: SEMA3F-related condition.

gnomAD v4.1: 25 of 1,613,272 alleles (0.0015%); highest among the groups gnomAD compares: Middle Eastern, 0.016%; no homozygotes.

Submission:

PreventionGenetics, part of Exact Sciences
Classification: Likely benign for SEMA3F-related condition. Last evaluated: 2024-08-27. Review status: no assertion criteria provided. Collection method: clinical testing. Allele origin: germline.
Comment: This variant is classified as likely benign based on ACMG/AMP sequence variant interpretation guidelines (Richards et al. 2015 PMID: 25741868, with internal and published modifications).